The following is an entry in ClinVar:

NC_000014.8:g.(?_36988170)_(36989334_?)del

Gene: NKX2-1 (NK2 homeobox 1; minus strand). Cytogenetic location: 14q13.3.
Variant type: Deletion.
Identifiers: ClinVar variation 2423626 (VCV002423626.4).

ClinVar aggregate classification (germline): Pathogenic (1 of 4 stars; one submission).

Submission:

Labcorp Genetics (formerly Invitae), Labcorp
Classification: Pathogenic. Last evaluated: 2022-08-23. Review status: criteria provided, single submitter. Criteria: Invitae Variant Classification Sherloc (09022015). Collection method: clinical testing. Allele origin: germline.
Comment: For these reasons, this variant has been classified as Pathogenic. A similar copy number variant has been observed in individual(s) with NKX2-1-related conditions (PMID: 23430038). This variant is a gross deletion of the genomic region encompassing exon(s) 1-2 of the NKX2-1 gene, which includes the initiator codon. This deletion extends beyond the assayed region for this gene and therefore may encompass additional genes. It is expected to result in an absent or disrupted protein product. Loss-of-function variants in NKX2-1 are known to be pathogenic (PMID: 23430038, 24714694).

Literature cited by the submitters: PubMed 23430038; PubMed 24714694.